The following is an entry in ClinVar:

NM_001292063.2(OTOG):c.4864G>A (p.Val1622Ile)

Gene: OTOG (otogelin; plus strand). Cytogenetic location: 11p15.1.
Variant type: single nucleotide variant.
Coding change: c.4864G>A on transcript NM_001292063.2 (MANE Select); coding-DNA position 4864, G replaced by A.
Protein change: p.Val1622Ile; replaces valine 1622 with isoleucine.
Molecular consequence: missense variant.
Genome position (GRCh38, 1-based): chr11:17,610,164, G>A. VCF-style: chr11-17610164-G-A. GRCh37 (hg19) VCF-style: chr11-17631711-G-A.
Other names: c.4900G>A, p.Val1634Ile (NM_001277269.2); short protein forms V1622I, V1634I.
Identifiers: ClinVar variation 1329708 (VCV001329708.2), dbSNP rs1049016020, ClinGen allele CA218475760.
Genomic context (GRCh38, chr11:17,610,164, plus strand): 5'-ACAGTCTCCTCCCGGTCGCCCCCTGCCCCTCGCTTCCCGCTCATGACCAAGGCTGTGACA[G>A]TCCGAGGCCATGGCTCCTTGCCTGTTAGGACGACACCCCCACAGCCCTCCTTGACAGCAA-3'
Protein context (NP_001278992.1, residues 1612-1632): RFPLMTKAVT[Val1622Ile]RGHGSLPVRT

ClinVar aggregate classification (germline): Uncertain significance (1 of 4 stars; one submission).

Allele frequency attached by ClinVar (database versions not stated): gnomAD exomes below 0.00001; TOPMed below 0.00001.
gnomAD v4.1: 5 of 1,550,618 alleles (0.00032%); highest among the groups gnomAD compares: African/African-American, 0.0027%; no homozygotes.

Submission:

GeneDx
Classification: Uncertain significance. Last evaluated: 2021-06-24. Review status: criteria provided, single submitter. Criteria: GeneDx Variant Classification Process June 2021. Collection method: clinical testing. Allele origin: germline. Affected: yes.
Comment: Not observed at significant frequency in large population cohorts (Lek et al., 2016); In silico analysis supports that this missense variant does not alter protein structure/function; Has not been previously published as pathogenic or benign to our knowledge; This variant is associated with the following publications: (PMID: 27535533)